The following is an entry in ClinVar:

NM_001195129.2(PRSS56):c.170C>T (p.Ala57Val)

Gene: PRSS56 (serine protease 56; plus strand). Cytogenetic location: 2q37.1.
Variant type: single nucleotide variant.
Coding change: c.170C>T on transcript NM_001195129.2 (MANE Select); coding-DNA position 170, C replaced by T.
Protein change: p.Ala57Val; replaces alanine 57 with valine.
Molecular consequence: missense variant.
Genome position (GRCh38, 1-based): chr2:232,521,393, C>T. VCF-style: chr2-232521393-C-T. GRCh37 (hg19) VCF-style: chr2-233386103-C-T.
Other names: c.170C>T, p.Ala57Val (NM_001369848.1); c.170C>T (NM_001195129.1); short protein forms A57V.
Identifiers: ClinVar variation 2892222 (VCV002892222.4), dbSNP rs899970313, ClinGen allele CA66947765.
Genomic context (GRCh38, chr2:232,521,393, plus strand): 5'-AGGGGACTCAGGCGTTGCAGGCAGCCCAGAGGAGCGCCCAGTGGGCAATAAACCGAGTGG[C>T]GATGGAGATCCAGCACAGATCGCACGAGTGCCGAGGTGCCCACCCTGCCCCCCGTGCCCC-3'
Protein context (NP_001182058.1, residues 47-67): RSAQWAINRV[Ala57Val]MEIQHRSHEC

ClinVar aggregate classification (germline): Uncertain significance. Review status: criteria provided, multiple submitters, no conflicts (2 of 4 stars). 2 submissions from 2 submitters: Uncertain significance (2). Last evaluated 2023-12-21.

Conditions:
Isolated microphthalmia 6. Also called: MICROPHTHALMIA, POSTERIOR NONSYNDROMIC. Identifiers: Orphanet 2542, MedGen C3150757, MONDO:0013293, OMIM 613517.
Inborn genetic diseases. Identifiers: MedGen C0950123, MeSH D030342.

Allele frequency attached by ClinVar (database versions not stated): gnomAD 0.00001; gnomAD exomes 0.00001; TOPMed 0.00002.
gnomAD v4.1: 9 of 1,536,024 alleles (0.00059%); highest among the groups gnomAD compares: South Asian, 0.0036%; no homozygotes.

Submissions (2):

Ambry Genetics
Classification: Uncertain significance for Inborn genetic diseases. Last evaluated: 2023-12-21. Review status: criteria provided, single submitter. Criteria: Ambry Variant Classification Scheme 2023. Collection method: clinical testing. Allele origin: germline.

Labcorp Genetics (formerly Invitae), Labcorp
Classification: Uncertain significance for Isolated microphthalmia 6. Last evaluated: 2023-12-21. Review status: criteria provided, single submitter. Criteria: Invitae Variant Classification Sherloc (09022015). Collection method: clinical testing. Allele origin: germline.
Comment: This sequence change replaces alanine, which is neutral and non-polar, with valine, which is neutral and non-polar, at codon 57 of the PRSS56 protein (p.Ala57Val). The frequency data for this variant in the population databases is considered unreliable, as metrics indicate poor data quality at this position in the gnomAD database. This variant has not been reported in the literature in individuals affected with PRSS56-related conditions. Algorithms developed to predict the effect of missense changes on protein structure and function output the following: SIFT: "Not Available"; PolyPhen-2: "Not Available"; Align-GVGD: "Not Available". The valine amino acid residue is found in multiple mammalian species, which suggests that this missense change does not adversely affect protein function. In summary, the available evidence is currently insufficient to determine the role of this variant in disease. Therefore, it has been classified as a Variant of Uncertain Significance.